The following is an entry in ClinVar:

NM_001130004.2(ACTN1):c.2431G>A (p.Glu811Lys)

Gene: ACTN1 (actinin alpha 1; minus strand). Cytogenetic location: 14q24.1.
Variant type: single nucleotide variant.
Coding change: c.2431G>A on transcript NM_001130004.2 (MANE Select); coding-DNA position 2431, G replaced by A.
Protein change: p.Glu811Lys; replaces glutamic acid 811 with lysine.
Molecular consequence: missense variant.
Genome position (GRCh38, 1-based): chr14:68,877,237, C>T on the plus strand (G>A on the coding strand, the complement: ACTN1 is on the minus strand). VCF-style: chr14-68877237-C-T. GRCh37 (hg19) VCF-style: chr14-69343954-C-T.
Other names: c.2365G>A, p.Glu789Lys (NM_001102.4, NM_001424012.1); c.2350G>A, p.Glu784Lys (NM_001130005.2, NM_001424014.1); c.2374G>A, p.Glu792Lys (NM_001411035.1); c.2170G>A, p.Glu724Lys (NM_001411036.1, NM_001424026.1); c.2491G>A, p.Glu831Lys (NM_001424013.1); c.2452G>A, p.Glu818Lys (NM_001424015.1); c.2389G>A, p.Glu797Lys (NM_001424016.1); c.2362G>A, p.Glu788Lys (NM_001424017.1); and 11 more; short protein forms E728K, E750K, E768K, E784K, E792K, E514K, E719K, E811K.
Identifiers: ClinVar variation 2811320 (VCV002811320.3), dbSNP rs2503092280, ClinGen allele CA390180787.

ClinVar aggregate classification (germline): Uncertain significance (1 of 4 stars; one submission).

Submission:

Labcorp Genetics (formerly Invitae), Labcorp
Classification: Uncertain significance. Last evaluated: 2022-11-01. Review status: criteria provided, single submitter. Criteria: Invitae Variant Classification Sherloc (09022015). Collection method: clinical testing. Allele origin: germline.
Comment: This variant is not present in population databases (gnomAD no frequency). This sequence change replaces glutamic acid, which is acidic and polar, with lysine, which is basic and polar, at codon 811 of the ACTN1 protein (p.Glu811Lys). This variant has not been reported in the literature in individuals affected with ACTN1-related conditions. In summary, the available evidence is currently insufficient to determine the role of this variant in disease. Therefore, it has been classified as a Variant of Uncertain Significance. Algorithms developed to predict the effect of missense changes on protein structure and function are either unavailable or do not agree on the potential impact of this missense change (SIFT: "Deleterious"; PolyPhen-2: "Possibly Damaging"; Align-GVGD: "Class C0").